The following is an entry in ClinVar:

ClinVar aggregate classification (germline): Uncertain significance. Review status: criteria provided, multiple submitters, no conflicts (2 of 4 stars). 2 submissions from 2 submitters: Uncertain significance (2). Last evaluated 2023-08-24.

Conditions:
PTCH2-related disorder. Also called: PTCH2-related condition; PTCH2-related disease.
Gorlin syndrome. Also called: Nevoid Basal Cell Carcinoma Syndrome; Basal cell nevus syndrome. Identifiers: Orphanet 377, MedGen C0004779, MONDO:0007187.

Allele frequency attached by ClinVar (database versions not stated): gnomAD exomes 0.00001; TOPMed 0.00001.

Submissions (2):

PreventionGenetics, part of Exact Sciences
Classification: Uncertain significance for PTCH2-related condition. Last evaluated: 2023-08-24. Review status: criteria provided, single submitter. Criteria: ACMG Guidelines, 2015. Collection method: clinical testing. Allele origin: germline.
Comment: The PTCH2 c.3020T>C variant is predicted to result in the amino acid substitution p.Met1007Thr. To our knowledge, this variant has not been reported in the literature or in a large population database, indicating this variant is rare. In ClinVar, this variant is reported as a variant of uncertain significance. At this time, the clinical significance of this variant is uncertain due to the absence of conclusive functional and genetic evidence.

Labcorp Genetics (formerly Invitae), Labcorp
Classification: Uncertain significance for Gorlin syndrome. Last evaluated: 2023-07-19. Review status: criteria provided, single submitter. Criteria: Invitae Variant Classification Sherloc (09022015). Collection method: clinical testing. Allele origin: germline.
Comment: This sequence change replaces methionine, which is neutral and non-polar, with threonine, which is neutral and polar, at codon 1007 of the PTCH2 protein (p.Met1007Thr). This variant is not present in population databases (gnomAD no frequency). This variant has not been reported in the literature in individuals affected with PTCH2-related conditions. ClinVar contains an entry for this variant (Variation ID: 1040133). Advanced modeling of protein sequence and biophysical properties (such as structural, functional, and spatial information, amino acid conservation, physicochemical variation, residue mobility, and thermodynamic stability) has been performed at Invitae for this missense variant, however the output from this modeling did not meet the statistical confidence thresholds required to predict the impact of this variant on PTCH2 protein function. In summary, the available evidence is currently insufficient to determine the role of this variant in disease. Therefore, it has been classified as a Variant of Uncertain Significance.

NM_003738.5(PTCH2):c.3020T>C (p.Met1007Thr)

Gene: PTCH2 (patched 2; minus strand). Cytogenetic location: 1p34.1.
Variant type: single nucleotide variant.
Coding change: c.3020T>C on transcript NM_003738.5 (MANE Select); coding-DNA position 3020, T replaced by C.
Protein change: p.Met1007Thr; replaces methionine 1007 with threonine.
Molecular consequence: missense variant.
Genome position (GRCh38, 1-based): chr1:44,826,344, A>G on the plus strand (T>C on the coding strand, the complement: PTCH2 is on the minus strand). VCF-style: chr1-44826344-A-G. GRCh37 (hg19) VCF-style: chr1-45292016-A-G.
Other names: c.3020T>C (NM_003738.4); c.3020T>C, p.Met1007Thr (NM_001166292.2); short protein forms M1007T.
Identifiers: ClinVar variation 1040133 (VCV001040133.10), dbSNP rs973768191, ClinGen allele CA21807722.